The following is an entry in ClinVar:

NM_000545.8(HNF1A):c.1537A>T (p.Thr513Ser)

Gene: HNF1A (HNF1 homeobox A; plus strand). Cytogenetic location: 12q24.31.
Variant type: single nucleotide variant.
Coding change: c.1537A>T on transcript NM_000545.8 (MANE Select); coding-DNA position 1537, A replaced by T.
Protein change: p.Thr513Ser; replaces threonine 513 with serine.
Molecular consequence: missense variant.
Genome position (GRCh38, 1-based): chr12:120,999,303, A>T. VCF-style: chr12-120999303-A-T. GRCh37 (hg19) VCF-style: chr12-121437106-A-T.
Other names: c.1537A>T, p.Thr513Ser (NM_001306179.2); short protein forms T513S.
Identifiers: ClinVar variation 972779 (VCV000972779.10), dbSNP rs753702603, ClinGen allele CA6832102.
Genomic context (GRCh38, chr12:120,999,303, plus strand): 5'-CTGCCCCTCTCTCCCCTGCGGCCAGCCCTCTACAGCCACAAGCCCGAGGTGGCCCAGTAC[A>T]CCCACACGGGCCTGCTCCCGCAGACTATGCTCATCACCGACACCACCAACCTGAGCGCCC-3'
Protein context (NP_000536.6, residues 503-523): YSHKPEVAQY[Thr513Ser]HTGLLPQTML

ClinVar aggregate classification (germline): Uncertain significance. Review status: criteria provided, multiple submitters, no conflicts (2 of 4 stars). 3 submissions from 3 submitters: Uncertain significance (3). Last evaluated 2024-06-07.

Conditions:
Maturity-onset diabetes of the young type 3. Also called: MODY type 3; MODY, type III. Identifiers: Orphanet 552, MedGen C1838100, MeSH C563933, MONDO:0010894, OMIM 600496. Disease mechanism: loss of function.
Diabetes mellitus type 1 (T1D). Also called: Diabetes Mellitus, Juvenile-Onset; Type I diabetes mellitus. Identifiers: MedGen C0011854, MONDO:0005147, OMIM 222100, HP:0100651.
Type 2 diabetes mellitus. Also called: Type II diabetes mellitus. Identifiers: MedGen C0011860, MeSH D003924, MONDO:0005148, OMIM 125853, HP:0005978.
Hepatic adenomas, familial. Also called: LIVER CELL ADENOMAS, FAMILIAL; HEPATIC ADENOMA, SOMATIC. Identifiers: MedGen C1840646, MONDO:0007718, OMIM 142330.
Type 1 diabetes mellitus 20 (T1D20). Also called: Diabetes mellitus, insulin-dependent, 20. Identifiers: MedGen C2675866, MONDO:0012919, OMIM 612520.
Nonpapillary renal cell carcinoma. Identifiers: Orphanet 422526, MedGen CN074294, MONDO:0007763, OMIM 144700.

Allele frequency attached by ClinVar (database versions not stated): gnomAD exomes 0.00001; ExAC 0.00002.
gnomAD v4.1: 18 of 1,613,716 alleles (0.0011%); highest among the groups gnomAD compares: Non-Finnish European, 0.0014%; no homozygotes.

Submissions (3):

Fulgent Genetics
Classification: Uncertain significance for Type 2 diabetes mellitus; Hepatic adenomas, familial; Nonpapillary renal cell carcinoma; Diabetes mellitus type 1; Maturity-onset diabetes of the young type 3; Type 1 diabetes mellitus 20. Last evaluated: 2024-06-07. Review status: criteria provided, single submitter. Criteria: ACMG Guidelines, 2015. Collection method: clinical testing. Allele origin: germline.

Labcorp Genetics (formerly Invitae), Labcorp
Classification: Uncertain significance. Last evaluated: 2021-04-22. Review status: criteria provided, single submitter. Criteria: Invitae Variant Classification Sherloc (09022015). Collection method: clinical testing. Allele origin: germline.
Comment: In summary, the available evidence is currently insufficient to determine the role of this variant in disease. Therefore, it has been classified as a Variant of Uncertain Significance. Advanced modeling of protein sequence and biophysical properties (such as structural, functional, and spatial information, amino acid conservation, physicochemical variation, residue mobility, and thermodynamic stability) performed at Invitae indicates that this missense variant is not expected to disrupt HNF1A protein function. This variant has been observed in individual(s) with clinical features of MODY, type III (PMID: 18003757, 25555642). ClinVar contains an entry for this variant (Variation ID: 972779). This variant is present in population databases (rs753702603, ExAC 0.003%). This sequence change replaces threonine with serine at codon 513 of the HNF1A protein (p.Thr513Ser). The threonine residue is moderately conserved and there is a small physicochemical difference between threonine and serine.

Broad Center for Mendelian Genomics, Broad Institute of MIT and Harvard
Classification: Uncertain significance for Maturity-onset diabetes of the young type 3. Last evaluated: 2020-01-22. Review status: criteria provided, single submitter. Criteria: ACMG Guidelines, 2015. Collection method: curation. Allele origin: germline. Inheritance: Autosomal dominant inheritance.
Comment: Please note that for diseases with clinical variability, or reduced penetrance, pathogenic variants may be present at a low frequency in the general population. Computational prediction tools and conservation analyses do not provide strong support for or against an impact to the protein. In summary, while there is some suspicion for a pathogenic role, the clinical significance of this variant is uncertain. ACMG/AMP Criteria applied: PM2 (Richards 2015).

Literature cited by the submitters: PubMed 18003757 (cited by Labcorp Genetics (formerly Invitae), Labcorp); PubMed 25555642 (cited by Labcorp Genetics (formerly Invitae), Labcorp).